The following is an entry in ClinVar:

ClinVar aggregate classification (germline): Uncertain significance (1 of 4 stars; one submission).

Conditions:
Cardiovascular phenotype. Identifiers: MedGen CN230736.

gnomAD v4.1: 23 of 1,614,184 alleles (0.0014%); highest among the groups gnomAD compares: Non-Finnish European, 0.0019%; no homozygotes.

Submission:

Ambry Genetics
Classification: Uncertain significance for Cardiovascular phenotype. Last evaluated: 2026-06-09. Review status: criteria provided, single submitter. Criteria: Ambry Variant Classification Scheme 2023. Collection method: clinical testing. Allele origin: germline.
Comment: The p.I1298T variant (also known as c.3893T>C), located in coding exon 26 of the ABCA1 gene, results from a T to C substitution at nucleotide position 3893. The isoleucine at codon 1298 is replaced by threonine, an amino acid with similar properties. This amino acid position is conserved. In addition, this alteration is predicted to be tolerated by in silico analysis. Based on the available evidence, the clinical significance of this variant remains unclear.

NM_005502.4(ABCA1):c.3893T>C (p.Ile1298Thr)

Gene: ABCA1 (ATP binding cassette subfamily A member 1; minus strand). Cytogenetic location: 9q31.1.
Variant type: single nucleotide variant.
Coding change: c.3893T>C on transcript NM_005502.4 (MANE Select); coding-DNA position 3893, T replaced by C.
Protein change: p.Ile1298Thr; replaces isoleucine 1298 with threonine.
Molecular consequence: missense variant.
Genome position (GRCh38, 1-based): chr9:104,814,126, A>G on the plus strand (T>C on the coding strand, the complement: ABCA1 is on the minus strand). VCF-style: chr9-104814126-A-G. GRCh37 (hg19) VCF-style: chr9-107576407-A-G.
Other names: short protein forms I1298T.
Identifiers: ClinVar variation 4869401 (VCV004869401.1).